The following is an entry in ClinVar:

NM_002386.4(MC1R):c.545A>G (p.Tyr182Cys)

Gene: MC1R (melanocortin 1 receptor; plus strand). Cytogenetic location: 16q24.3.
Variant type: single nucleotide variant.
Coding change: c.545A>G on transcript NM_002386.4 (MANE Select); coding-DNA position 545, A replaced by G.
Protein change: p.Tyr182Cys; replaces tyrosine 182 with cysteine.
Molecular consequence: missense variant.
Genome position (GRCh38, 1-based): chr16:89,919,803, A>G. VCF-style: chr16-89919803-A-G. GRCh37 (hg19) VCF-style: chr16-89986211-A-G.
Other names: short protein forms Y182C.
Identifiers: ClinVar variation 4104874 (VCV004104874.1).

ClinVar aggregate classification (germline): Uncertain significance (1 of 4 stars; one submission).

gnomAD v4.1: 4 of 1,607,550 alleles (0.00025%); highest among the groups gnomAD compares: African/African-American, 0.004%; no homozygotes.

Submission:

Ambry Genetics
Classification: Uncertain significance. Last evaluated: 2025-08-20. Review status: criteria provided, single submitter. Criteria: Ambry Variant Classification Scheme 2023. Collection method: clinical testing. Allele origin: germline.
Comment: The p.Y182C variant (also known as c.545A>G), located in coding exon 1 of the MC1R gene, results from an A to G substitution at nucleotide position 545. The tyrosine at codon 182 is replaced by cysteine, an amino acid with highly dissimilar properties. This amino acid position is conserved. In addition, the in silico prediction for this alteration is inconclusive. Based on the available evidence, the clinical significance of this variant remains unclear.